The following is an entry in ClinVar:

ClinVar aggregate classification (germline): Uncertain significance. Review status: criteria provided, multiple submitters, no conflicts (2 of 4 stars). 2 submissions from 2 submitters: Uncertain significance (2). Last evaluated 2024-02-05.

Conditions:
NIK deficiency. Also called: Primary immunodeficiency with multifaceted aberrant lymphoid immunity. Identifiers: Orphanet 447731, MedGen C5680065, MONDO:0018642.

Allele frequency attached by ClinVar (database versions not stated): gnomAD exomes 0.00004 and 0.00010; ExAC 0.00005; gnomAD 0.00006 and 0.00007; TOPMed 0.00006; ESP Exome Variant Server 0.00008.
gnomAD v4.1: 149 of 1,613,822 alleles (0.0092%); highest among the groups gnomAD compares: Non-Finnish European, 0.012%; no homozygotes.

Submissions (2):

Labcorp Genetics (formerly Invitae), Labcorp
Classification: Uncertain significance for NIK deficiency. Last evaluated: 2024-02-05. Review status: criteria provided, single submitter. Criteria: Invitae Variant Classification Sherloc (09022015). Collection method: clinical testing. Allele origin: germline.
Comment: This sequence change replaces alanine, which is neutral and non-polar, with threonine, which is neutral and polar, at codon 103 of the MAP3K14 protein (p.Ala103Thr). This variant is present in population databases (rs369004173, gnomAD 0.007%). This variant has not been reported in the literature in individuals affected with MAP3K14-related conditions. ClinVar contains an entry for this variant (Variation ID: 661822). Experimental studies and prediction algorithms are not available or were not evaluated, and the functional significance of this variant is currently unknown. In summary, the available evidence is currently insufficient to determine the role of this variant in disease. Therefore, it has been classified as a Variant of Uncertain Significance.

Ambry Genetics
Classification: Uncertain significance. Last evaluated: 2022-09-28. Review status: criteria provided, single submitter. Criteria: Ambry Variant Classification Scheme 2023. Collection method: clinical testing. Allele origin: germline.

NM_003954.5(MAP3K14):c.307G>A (p.Ala103Thr)

Gene: MAP3K14 (mitogen-activated protein kinase kinase kinase 14; minus strand). Cytogenetic location: 17q21.31.
Variant type: single nucleotide variant.
Coding change: c.307G>A on transcript NM_003954.5 (MANE Select); coding-DNA position 307, G replaced by A.
Protein change: p.Ala103Thr; replaces alanine 103 with threonine.
Molecular consequence: missense variant.
Genome position (GRCh38, 1-based): chr17:45,289,255, C>T on the plus strand (G>A on the coding strand, the complement: MAP3K14 is on the minus strand). VCF-style: chr17-45289255-C-T. GRCh37 (hg19) VCF-style: chr17-43366621-C-T.
Other names: c.307G>A, p.Ala103Thr (LRG_1222t1); c.307G>A (NM_003954.3); short protein forms A103T.
Identifiers: ClinVar variation 661822 (VCV000661822.9), dbSNP rs369004173, ClinGen allele CA8614401.
Genomic context (GRCh38, chr17:45,289,255, plus strand): 5'-CAGTCCCCACCTTCCCACTCAGGCTTGTCTCCCCTGCTTACCTGTACTGTTTGGACCCAG[C>T]GATGAAAATGCGTTCTGAAAAGGTGGGGCTGAACTCTTGGCTATTCTCACCTAAAGCAAA-3'
Protein context (NP_003945.2, residues 93-113): SPTFSERIFI[Ala103Thr]GSKQYSQSES